The following is an entry in ClinVar:

NM_021020.5(LZTS1):c.422C>A (p.Ser141Tyr)

Gene: LZTS1 (leucine zipper tumor suppressor 1; minus strand). Cytogenetic location: 8p21.3.
Variant type: single nucleotide variant.
Coding change: c.422C>A on transcript NM_021020.5 (MANE Select); coding-DNA position 422, C replaced by A.
Protein change: p.Ser141Tyr; replaces serine 141 with tyrosine.
Molecular consequence: missense variant.
Genome position (GRCh38, 1-based): chr8:20,253,509, G>T on the plus strand (C>A on the coding strand, the complement: LZTS1 is on the minus strand). VCF-style: chr8-20253509-G-T. GRCh37 (hg19) VCF-style: chr8-20111020-G-T.
Other names: c.422C>A, p.Ser141Tyr (NM_001362884.2); short protein forms S141Y.
Identifiers: ClinVar variation 2112531 (VCV002112531.4), dbSNP rs748533521, ClinGen allele CA4657521.

ClinVar aggregate classification (germline): Uncertain significance (1 of 4 stars; one submission).

Allele frequency attached by ClinVar (database versions not stated): TOPMed below 0.00001; gnomAD 0.00001.

Submission:

Labcorp Genetics (formerly Invitae), Labcorp
Classification: Uncertain significance. Last evaluated: 2024-01-11. Review status: criteria provided, single submitter. Criteria: Invitae Variant Classification Sherloc (09022015). Collection method: clinical testing. Allele origin: germline.
Comment: This sequence change replaces serine, which is neutral and polar, with tyrosine, which is neutral and polar, at codon 141 of the LZTS1 protein (p.Ser141Tyr). The frequency data for this variant in the population databases is considered unreliable, as metrics indicate poor data quality at this position in the gnomAD database. This variant has not been reported in the literature in individuals affected with LZTS1-related conditions. ClinVar contains an entry for this variant (Variation ID: 2112531). Advanced modeling of protein sequence and biophysical properties (such as structural, functional, and spatial information, amino acid conservation, physicochemical variation, residue mobility, and thermodynamic stability) performed at Invitae indicates that this missense variant is not expected to disrupt LZTS1 protein function with a negative predictive value of 80%. In summary, the available evidence is currently insufficient to determine the role of this variant in disease. Therefore, it has been classified as a Variant of Uncertain Significance.